The following is an entry in ClinVar:

NM_001330700.2(TOP2B):c.4046C>G (p.Thr1349Arg)

Gene: TOP2B (DNA topoisomerase II beta; minus strand). Cytogenetic location: 3p24.2.
Variant type: single nucleotide variant.
Coding change: c.4046C>G on transcript NM_001330700.2 (MANE Select); coding-DNA position 4046, C replaced by G.
Protein change: p.Thr1349Arg; replaces threonine 1349 with arginine.
Molecular consequence: missense variant.
Genome position (GRCh38, 1-based): chr3:25,609,230, G>C on the plus strand (C>G on the coding strand, the complement: TOP2B is on the minus strand). VCF-style: chr3-25609230-G-C. GRCh37 (hg19) VCF-style: chr3-25650721-G-C.
Other names: c.4031C>G, p.Thr1344Arg (NM_001068.3); short protein forms T1349R, T1344R.
Identifiers: ClinVar variation 2088732 (VCV002088732.4), dbSNP rs2529878568, ClinGen allele CA351893528.

ClinVar aggregate classification (germline): Uncertain significance (1 of 4 stars; one submission).

Submission:

Labcorp Genetics (formerly Invitae), Labcorp
Classification: Uncertain significance. Last evaluated: 2022-08-19. Review status: criteria provided, single submitter. Criteria: Invitae Variant Classification Sherloc (09022015). Collection method: clinical testing. Allele origin: germline.
Comment: In summary, the available evidence is currently insufficient to determine the role of this variant in disease. Therefore, it has been classified as a Variant of Uncertain Significance. Algorithms developed to predict the effect of missense changes on protein structure and function (SIFT, PolyPhen-2, Align-GVGD) all suggest that this variant is likely to be tolerated. This variant has not been reported in the literature in individuals affected with TOP2B-related conditions. This variant is not present in population databases (gnomAD no frequency). This sequence change replaces threonine, which is neutral and polar, with arginine, which is basic and polar, at codon 1344 of the TOP2B protein (p.Thr1344Arg).